The following is an entry in ClinVar:

ClinVar aggregate classification (germline): Benign (0 of 4 stars; one submission).

Conditions:
XIRP1-related disorder. Also called: XIRP1-related condition.

Allele frequency attached by ClinVar (database versions not stated): 1000 Genomes Project 0.09145; 1000 Genomes Project 30x 0.09275; TOPMed 0.12862; gnomAD 0.14072; ESP Exome Variant Server 0.14332; ExAC 0.15236.
gnomAD v4.1: 275,721 of 1,613,796 alleles (17%); highest among the groups gnomAD compares: Non-Finnish European, 19%; 25,376 homozygotes.

Submission:

PreventionGenetics, part of Exact Sciences
Classification: Benign for XIRP1-related condition. Last evaluated: 2019-10-21. Review status: no assertion criteria provided. Collection method: clinical testing. Allele origin: germline.
Comment: This variant is classified as benign based on ACMG/AMP sequence variant interpretation guidelines (Richards et al. 2015 PMID: 25741868, with internal and published modifications).

NM_194293.4(XIRP1):c.4823C>T (p.Ala1608Val)

Gene: XIRP1 (xin actin binding repeat containing 1; minus strand). Cytogenetic location: 3p22.2.
Variant type: single nucleotide variant.
Coding change: c.4823C>T on transcript NM_194293.4 (MANE Select); coding-DNA position 4823, C replaced by T.
Protein change: p.Ala1608Val; replaces alanine 1608 with valine.
Molecular consequence: missense variant. On other transcripts: 3 prime UTR variant (1).
Genome position (GRCh38, 1-based): chr3:39,184,623, G>A on the plus strand (C>T on the coding strand, the complement: XIRP1 is on the minus strand). VCF-style: chr3-39184623-G-A. GRCh37 (hg19) VCF-style: chr3-39226114-G-A.
Other names: c.*1030C>T (NM_001198621.4); c.872C>T, p.Ala291Val (NM_001351377.2); short protein forms A1608V, A291V.
Identifiers: ClinVar variation 3060037 (VCV003060037.2), dbSNP rs34810344, ClinGen allele CA2325784.